The following is an entry in ClinVar:

NM_001145718.3(CT47B1):c.892G>A (p.Gly298Arg)

Gene: CT47B1 (cancer/testis antigen family 47 member B1; minus strand). Cytogenetic location: Xq24.
Variant type: single nucleotide variant.
Coding change: c.892G>A on transcript NM_001145718.3 (MANE Select); coding-DNA position 892, G replaced by A.
Protein change: p.Gly298Arg; replaces glycine 298 with arginine.
Molecular consequence: missense variant.
Genome position (GRCh38, 1-based): chrX:120,873,904, C>T on the plus strand (G>A on the coding strand, the complement: CT47B1 is on the minus strand). VCF-style: chrX-120873904-C-T. GRCh37 (hg19) VCF-style: chrX-120007758-C-T.
Other names: short protein forms G298R.
Identifiers: ClinVar variation 2363990 (VCV002363990.26), dbSNP rs768575428, ClinGen allele CA10506024.

ClinVar aggregate classification (germline): Conflicting classifications of pathogenicity. Review status: criteria provided, conflicting classifications (1 of 4 stars). 2 submissions from 2 submitters: Uncertain significance (1); Likely benign (1). Last evaluated 2025-05-14.

Allele frequency attached by ClinVar (database versions not stated): TOPMed 0.00005; gnomAD exomes 0.00008; ExAC 0.00023.

Submissions (2):

Ambry Genetics
Classification: Uncertain significance. Last evaluated: 2025-05-14. Review status: criteria provided, single submitter. Criteria: Ambry Variant Classification Scheme 2023. Collection method: clinical testing. Allele origin: germline.

CeGaT Center for Human Genetics Tuebingen
Classification: Likely benign. Last evaluated: 2023-03-01. Review status: criteria provided, single submitter. Criteria: CeGaT Center For Human Genetics Tuebingen Variant Classification Criteria Version 2. Collection method: clinical testing. Allele origin: germline. Affected: yes. Observed: 1 variant allele.
Comment: CT47B1: BP4, BS2